The following is an entry in ClinVar:

NM_201596.3(CACNB2):c.1303G>C (p.Glu435Gln)

Gene: CACNB2 (calcium voltage-gated channel auxiliary subunit beta 2; plus strand). Cytogenetic location: 10p12.31.
Variant type: single nucleotide variant.
Coding change: c.1303G>C on transcript NM_201596.3 (MANE Select); coding-DNA position 1303, G replaced by C.
Protein change: p.Glu435Gln; replaces glutamic acid 435 with glutamine.
Molecular consequence: missense variant.
Genome position (GRCh38, 1-based): chr10:18,538,180, G>C. VCF-style: chr10-18538180-G-C. GRCh37 (hg19) VCF-style: chr10-18827109-G-C.
Other names: c.1138G>C, p.Glu380Gln (NM_000724.4); c.1105G>C, p.Glu369Gln (NM_001167945.2); c.1024G>C, p.Glu342Gln (NM_001330060.2); c.1159G>C, p.Glu387Gln (NM_201570.3); c.1219G>C, p.Glu407Gln (NM_201571.4); c.1147G>C, p.Glu383Gln (NM_201572.4); c.1141G>C, p.Glu381Gln (NM_201590.3); c.1189G>C, p.Glu397Gln (NM_201593.3); and 1 more; short protein forms E342Q, E380Q, E383Q, E369Q, E407Q, E381Q, E435Q, E387Q.
Identifiers: ClinVar variation 1398839 (VCV001398839.8), dbSNP rs1554842171, ClinGen allele CA376069920.

ClinVar aggregate classification (germline): Uncertain significance (1 of 4 stars; one submission).

Conditions:
Brugada syndrome 4 (BRGDA4). Identifiers: Orphanet 130, MedGen C2678477, MONDO:0012743, OMIM 611876.

Submission:

Labcorp Genetics (formerly Invitae), Labcorp
Classification: Uncertain significance for Brugada syndrome 4. Last evaluated: 2021-06-01. Review status: criteria provided, single submitter. Criteria: Invitae Variant Classification Sherloc (09022015). Collection method: clinical testing. Allele origin: germline.
Comment: In summary, the available evidence is currently insufficient to determine the role of this variant in disease. Therefore, it has been classified as a Variant of Uncertain Significance. This sequence change replaces glutamic acid with glutamine at codon 381 of the CACNB2 protein (p.Glu381Gln). The glutamic acid residue is highly conserved and there is a small physicochemical difference between glutamic acid and glutamine. This variant is not present in population databases (ExAC no frequency). This variant has not been reported in the literature in individuals with CACNB2-related conditions. Algorithms developed to predict the effect of missense changes on protein structure and function are either unavailable or do not agree on the potential impact of this missense change (SIFT: "Deleterious"; PolyPhen-2: "Probably Damaging"; Align-GVGD: "Class C0"). Algorithms developed to predict the effect of sequence changes on RNA splicing suggest that this variant may disrupt the consensus splice site, but this prediction has not been confirmed by published transcriptional studies.